The following is an entry in ClinVar:

ClinVar aggregate classification (germline): Uncertain significance (1 of 4 stars; one submission).

Conditions:
KCNK18-related disorder. Also called: KCNK18-related condition.

gnomAD v4.1: 5 of 1,614,200 alleles (0.00031%); highest among the groups gnomAD compares: Admixed American, 0.0067%; no homozygotes.

Submission:

PreventionGenetics, part of Exact Sciences
Classification: Uncertain significance for KCNK18-related condition. Last evaluated: 2025-03-20. Review status: criteria provided, single submitter. Criteria: ACMG Guidelines, 2015. Collection method: clinical testing. Allele origin: germline.
Comment: The KCNK18 c.965C>T variant is predicted to result in the amino acid substitution p.Thr322Ile. To our knowledge, this variant has not been reported in the literature. This variant is reported in 0.012% of alleles in individuals of Latino descent in gnomAD. At this time, the clinical significance of this variant is uncertain due to the absence of conclusive functional and genetic evidence.

NM_181840.1(KCNK18):c.965C>T (p.Thr322Ile)

Gene: KCNK18 (potassium two pore domain channel subfamily K member 18; plus strand). Cytogenetic location: 10q25.3.
Variant type: single nucleotide variant.
Coding change: c.965C>T on transcript NM_181840.1 (MANE Select); coding-DNA position 965, C replaced by T.
Protein change: p.Thr322Ile; replaces threonine 322 with isoleucine.
Molecular consequence: missense variant.
Genome position (GRCh38, 1-based): chr10:117,210,109, C>T. VCF-style: chr10-117210109-C-T. GRCh37 (hg19) VCF-style: chr10-118969620-C-T.
Other names: short protein forms T322I.
Identifiers: ClinVar variation 4980991 (VCV004980991.1).